The following is an entry in ClinVar:

ClinVar aggregate classification (germline): Uncertain significance (1 of 4 stars; one submission).

Allele frequency attached by ClinVar (database versions not stated): gnomAD 0.00025 and 0.00029; TOPMed 0.00028; ExAC 0.00030; gnomAD exomes 0.00032 and 0.00066; ESP Exome Variant Server 0.00038.
gnomAD v4.1: 982 of 1,613,958 alleles (0.061%); highest among the groups gnomAD compares: Non-Finnish European, 0.08%; 3 homozygotes.

Submission:

Labcorp Genetics (formerly Invitae), Labcorp
Classification: Uncertain significance. Last evaluated: 2022-08-12. Review status: criteria provided, single submitter. Criteria: Invitae Variant Classification Sherloc (09022015). Collection method: clinical testing. Allele origin: germline.
Comment: This sequence change falls in intron 24 of the TONSL gene. It does not directly change the encoded amino acid sequence of the TONSL protein. It affects a nucleotide within the consensus splice site. This variant is present in population databases (rs370640264, gnomAD 0.06%). This variant has not been reported in the literature in individuals affected with TONSL-related conditions. ClinVar contains an entry for this variant (Variation ID: 1496591). Variants that disrupt the consensus splice site are a relatively common cause of aberrant splicing (PMID: 17576681, 9536098). Algorithms developed to predict the effect of sequence changes on RNA splicing suggest that this variant is not likely to affect RNA splicing. In summary, the available evidence is currently insufficient to determine the role of this variant in disease. Therefore, it has been classified as a Variant of Uncertain Significance.

Literature cited by the submitters: PubMed 17576681; PubMed 9536098.

NM_013432.5(TONSL):c.3809+5C>T

Gene: TONSL (tonsoku like, DNA repair protein; minus strand). Cytogenetic location: 8q24.3.
Variant type: single nucleotide variant.
Coding change: c.3809+5C>T on transcript NM_013432.5 (MANE Select); 5 bases into the intron after coding-DNA position 3809, C replaced by T.
Molecular consequence: intron variant.
Genome position (GRCh38, 1-based): chr8:144,431,073, G>A on the plus strand (C>T on the coding strand, the complement: TONSL is on the minus strand). VCF-style: chr8-144431073-G-A. GRCh37 (hg19) VCF-style: chr8-145656456-G-A.
Identifiers: ClinVar variation 1496591 (VCV001496591.3), dbSNP rs370640264, ClinGen allele CA4942377.
Genomic context (GRCh38, chr8:144,431,073, plus strand): 5'-CCCATAGGGTCCAGAGCCATGAGATCAGACCCCCAGGTCAGCAGGCAGCAGGGAAAGGGC[G>A]TTACCTGCACAGGTCTCTAACAGCCTTGTCCCCCAGGTGGTTTGCAGACAGGGTCAGGTG-3'